The following is an entry in ClinVar:

ClinVar aggregate classification (germline): Uncertain significance (1 of 4 stars; one submission).

Conditions:
Nephronophthisis 14 (NPHP14). Identifiers: Orphanet 2318, MedGen C3539071, MONDO:0013916, OMIM 614844.

gnomAD v4.1: 1 of 1,614,112 alleles (0.000062%); no homozygotes.

Submission:

Labcorp Genetics (formerly Invitae), Labcorp
Classification: Uncertain significance for Nephronophthisis 14. Last evaluated: 2022-07-19. Review status: criteria provided, single submitter. Criteria: Invitae Variant Classification Sherloc (09022015). Collection method: clinical testing. Allele origin: germline.
Comment: ClinVar contains an entry for this variant (Variation ID: 1370508). This variant has not been reported in the literature in individuals affected with ZNF423-related conditions. This variant is present in population databases (no rsID available, gnomAD no frequency). This sequence change replaces alanine, which is neutral and non-polar, with proline, which is neutral and non-polar, at codon 490 of the ZNF423 protein (p.Ala490Pro). Algorithms developed to predict the effect of missense changes on protein structure and function (SIFT, PolyPhen-2, Align-GVGD) all suggest that this variant is likely to be tolerated. In summary, the available evidence is currently insufficient to determine the role of this variant in disease. Therefore, it has been classified as a Variant of Uncertain Significance.

NM_001379286.1(ZNF423):c.1492G>C (p.Ala498Pro)

Gene: ZNF423 (zinc finger protein 423; minus strand). Cytogenetic location: 16q12.1.
Variant type: single nucleotide variant.
Coding change: c.1492G>C on transcript NM_001379286.1 (MANE Select); coding-DNA position 1492, G replaced by C.
Protein change: p.Ala498Pro; replaces alanine 498 with proline.
Molecular consequence: missense variant.
Genome position (GRCh38, 1-based): chr16:49,637,684, C>G on the plus strand (G>C on the coding strand, the complement: ZNF423 is on the minus strand). VCF-style: chr16-49637684-C-G. GRCh37 (hg19) VCF-style: chr16-49671595-C-G.
Other names: c.1288G>C, p.Ala430Pro (NM_001271620.2); c.1117G>C, p.Ala373Pro (NM_001330533.2); c.1468G>C, p.Ala490Pro (NM_015069.5); short protein forms A373P, A490P, A498P, A430P.
Identifiers: ClinVar variation 1370508 (VCV001370508.6), dbSNP rs771331763, ClinGen allele CA395848939.